The following is an entry in ClinVar:

NM_001369.3(DNAH5):c.7684A>T (p.Ile2562Phe)

Gene: DNAH5 (dynein axonemal heavy chain 5; minus strand). Cytogenetic location: 5p15.2.
Variant type: single nucleotide variant.
Coding change: c.7684A>T on transcript NM_001369.3 (MANE Select); coding-DNA position 7684, A replaced by T.
Protein change: p.Ile2562Phe; replaces isoleucine 2562 with phenylalanine.
Molecular consequence: missense variant.
Genome position (GRCh38, 1-based): chr5:13,809,112, T>A on the plus strand (A>T on the coding strand, the complement: DNAH5 is on the minus strand). VCF-style: chr5-13809112-T-A. GRCh37 (hg19) VCF-style: chr5-13809221-T-A.
Other names: short protein forms I2562F.
Identifiers: ClinVar variation 351060 (VCV000351060.23), dbSNP rs151287187, ClinGen allele CA3203026.

ClinVar aggregate classification (germline): Conflicting classifications of pathogenicity. Review status: criteria provided, conflicting classifications (1 of 4 stars). 9 submissions from 9 submitters: Uncertain significance (7); Likely benign (1). 1 of the submissions does not count toward it. Last evaluated 2026-08-17.

Conditions:
DNAH5-related disorder. Also called: DNAH5-related condition.
Primary ciliary dyskinesia. Also called: Ciliary dyskinesia. Identifiers: Orphanet 244, MedGen C0008780, MONDO:0016575, HP:0012265.
Primary ciliary dyskinesia 3. Identifiers: Orphanet 244, MedGen C1837618, MONDO:0012085, OMIM 608644.

Allele frequency attached by ClinVar (database versions not stated): TOPMed 0.00018; gnomAD 0.00024 and 0.00025; gnomAD exomes 0.00028; ESP Exome Variant Server 0.00031; ExAC 0.00033.
gnomAD v4.1: 680 of 1,614,086 alleles (0.042%); highest among the groups gnomAD compares: Non-Finnish European, 0.055%; 1 homozygote.

Submissions (9):

PreventionGenetics, part of Exact Sciences
Classification: Uncertain significance for DNAH5-related condition. Last evaluated: 2026-08-17. Review status: criteria provided, single submitter. Criteria: ACMG Guidelines, 2015. Collection method: clinical testing. Allele origin: germline.
Comment: The DNAH5 c.7684A>T variant is predicted to result in the amino acid substitution p.Ile2562Phe. To our knowledge, this variant has not been reported in the literature. This variant is reported in 0.053% of alleles in individuals of European (Non-Finnish) descent in gnomAD. This variant could be benign. At this time, the clinical significance of this variant is uncertain due to the absence of conclusive functional and genetic evidence.

Labcorp Genetics (formerly Invitae), Labcorp
Classification: Likely benign for Primary ciliary dyskinesia. Last evaluated: 2025-10-26. Review status: criteria provided, single submitter. Criteria: Invitae Variant Classification Sherloc (09022015). Collection method: clinical testing. Allele origin: germline.

GeneDx
Classification: Uncertain significance. Last evaluated: 2024-11-03. Review status: criteria provided, single submitter. Criteria: GeneDx Variant Classification Process June 2021. Collection method: clinical testing. Allele origin: germline. Affected: yes.
Comment: In silico analysis supports that this missense variant has a deleterious effect on protein structure/function; Has not been previously published as pathogenic or benign to our knowledge

Blueprint Genetics
Classification: Uncertain significance. Last evaluated: 2024-02-28. Review status: criteria provided, single submitter. Criteria: ACMG Guidelines, 2015. Collection method: clinical testing. Allele origin: germline.

UNC Molecular Genetics  Laboratory, University of North Carolina at Chapel Hill
Classification: Uncertain significance for Primary ciliary dyskinesia. Last evaluated: 2021-01-29. Review status: criteria provided, single submitter. Criteria: ACMG Guidelines, 2015. Collection method: clinical testing. Allele origin: germline. Observed: 1 heterozygote.

Baylor Genetics
Classification: Uncertain significance for Primary ciliary dyskinesia 3. Last evaluated: 2018-05-11. Review status: criteria provided, single submitter. Criteria: ACMG Guidelines, 2015. Collection method: clinical testing. Allele origin: unknown. Affected: yes.
Comment: This variant was determined to be of uncertain significance according to ACMG Guidelines, 2015 [PMID:25741868].

Ambry Genetics
Classification: Uncertain significance for Primary ciliary dyskinesia. Last evaluated: 2018-04-20. Review status: criteria provided, single submitter. Criteria: Ambry Variant Classification Scheme 2023. Collection method: clinical testing. Allele origin: germline.
Comment: The p.I2562F variant (also known as c.7684A>T), located in coding exon 46 of the DNAH5 gene, results from an A to T substitution at nucleotide position 7684. The isoleucine at codon 2562 is replaced by phenylalanine, an amino acid with highly similar properties. This amino acid position is highly conserved in available vertebrate species. In addition, this alteration is predicted to be deleterious by in silico analysis. Since supporting evidence is limited at this time, the clinical significance of this alteration remains unclear.

Illumina Laboratory Services, Illumina
Classification: Uncertain significance for Primary ciliary dyskinesia 3. Last evaluated: 2018-01-12. Review status: criteria provided, single submitter. Criteria: ICSL Variant Classification Criteria 13 December 2019. Collection method: clinical testing. Allele origin: germline.

Natera, Inc.
Classification: Uncertain significance for Primary ciliary dyskinesia. Last evaluated: 2020-03-10. Review status: no assertion criteria provided. Collection method: clinical testing. Allele origin: germline. Not counted in ClinVar's aggregate classification.